The following is an entry in ClinVar:

NM_015559.3(SETBP1):c.1625T>C (p.Met542Thr)

Gene: SETBP1 (SET binding protein 1; plus strand). Cytogenetic location: 18q12.3.
Variant type: single nucleotide variant.
Coding change: c.1625T>C on transcript NM_015559.3 (MANE Select); coding-DNA position 1625, T replaced by C.
Protein change: p.Met542Thr; replaces methionine 542 with threonine.
Molecular consequence: missense variant.
Genome position (GRCh38, 1-based): chr18:44,950,965, T>C. VCF-style: chr18-44950965-T-C. GRCh37 (hg19) VCF-style: chr18-42530930-T-C.
Other names: c.1625T>C, p.Met542Thr (NM_001379141.1, NM_001379142.1, NM_001410862.1); short protein forms M542T.
Identifiers: ClinVar variation 3617452 (VCV003617452.2).
Genomic context (GRCh38, chr18:44,950,965, plus strand): 5'-AGCATCCAAAATTTGCTGCAAAACGAAGGTGGACTTGCAGCAAACCAAAACCTAGCACCA[T>C]GCTTCGAGAGGCAGTTATGGCCACCTCTGATAAACTGATGCTGGAGCCCCCGTCTGCATA-3'
Protein context (NP_056374.2, residues 532-552): WTCSKPKPST[Met542Thr]LREAVMATSD

ClinVar aggregate classification (germline): Uncertain significance (1 of 4 stars; one submission).

Submission:

Labcorp Genetics (formerly Invitae), Labcorp
Classification: Uncertain significance. Last evaluated: 2024-03-20. Review status: criteria provided, single submitter. Criteria: Invitae Variant Classification Sherloc (09022015). Collection method: clinical testing. Allele origin: germline.
Comment: This sequence change replaces methionine, which is neutral and non-polar, with threonine, which is neutral and polar, at codon 542 of the SETBP1 protein (p.Met542Thr). This variant is not present in population databases (gnomAD no frequency). This variant has not been reported in the literature in individuals affected with SETBP1-related conditions. Advanced modeling of protein sequence and biophysical properties (such as structural, functional, and spatial information, amino acid conservation, physicochemical variation, residue mobility, and thermodynamic stability) performed at Invitae indicates that this missense variant is not expected to disrupt SETBP1 protein function with a negative predictive value of 80%. In summary, the available evidence is currently insufficient to determine the role of this variant in disease. Therefore, it has been classified as a Variant of Uncertain Significance.